The following is an entry in ClinVar:

NM_194318.4(B3GLCT):c.515A>G (p.Tyr172Cys)

Gene: B3GLCT (beta 3-glucosyltransferase; plus strand). Cytogenetic location: 13q12.3.
Variant type: single nucleotide variant.
Coding change: c.515A>G on transcript NM_194318.4 (MANE Select); coding-DNA position 515, A replaced by G.
Protein change: p.Tyr172Cys; replaces tyrosine 172 with cysteine.
Molecular consequence: missense variant.
Genome position (GRCh38, 1-based): chr13:31,261,001, A>G. VCF-style: chr13-31261001-A-G. GRCh37 (hg19) VCF-style: chr13-31835138-A-G.
Other names: short protein forms Y172C.
Identifiers: ClinVar variation 4189566 (VCV004189566.2).
Genomic context (GRCh38, chr13:31,261,001, plus strand): 5'-AACAGGAATGGTTTTTGGGAAAAGCATTACATGATGAAGAAGCTACAATAATTCACCATT[A>G]TGCCTTTTCCGAGAATCCTACAGTTTTTAAGTATCCAGACTTTGCTGCAGGCTGGGCCTT-3'
Protein context (NP_919299.3, residues 162-182): HDEEATIIHH[Tyr172Cys]AFSENPTVFK

ClinVar aggregate classification (germline): Uncertain significance. Review status: criteria provided, multiple submitters, no conflicts (2 of 4 stars). 2 submissions from 2 submitters: Uncertain significance (2). Last evaluated 2025-12-21.

Conditions:
Inborn genetic diseases. Identifiers: MedGen C0950123, MeSH D030342.
Peters plus syndrome. Also called: KRAUSE-KIVLIN SYNDROME. Identifiers: Orphanet 709, MedGen C0796012, MONDO:0009856, OMIM 261540.

gnomAD v4.1: 9 of 1,613,892 alleles (0.00056%); highest among the groups gnomAD compares: Non-Finnish European, 0.00076%; no homozygotes.

Submissions (2):

Labcorp Genetics (formerly Invitae), Labcorp
Classification: Uncertain significance for Peters plus syndrome. Last evaluated: 2025-12-21. Review status: criteria provided, single submitter. Criteria: Invitae Variant Classification Sherloc (09022015). Collection method: clinical testing. Allele origin: germline.
Comment: This sequence change replaces tyrosine, which is neutral and polar, with cysteine, which is neutral and slightly polar, at codon 172 of the B3GLCT protein (p.Tyr172Cys). This variant is not present in population databases (gnomAD no frequency). This variant has not been reported in the literature in individuals affected with B3GLCT-related conditions. ClinVar contains an entry for this variant (Variation ID: 4189566). Invitae Evidence Modeling of protein sequence and biophysical properties (such as structural, functional, and spatial information, amino acid conservation, physicochemical variation, residue mobility, and thermodynamic stability) indicates that this missense variant is expected to disrupt B3GLCT protein function with a positive predictive value of 80%. In summary, the available evidence is currently insufficient to determine the role of this variant in disease. Therefore, it has been classified as a Variant of Uncertain Significance.

Ambry Genetics
Classification: Uncertain significance for Inborn genetic diseases. Last evaluated: 2025-08-29. Review status: criteria provided, single submitter. Criteria: Ambry Variant Classification Scheme 2023. Collection method: clinical testing. Allele origin: germline.